The following is an entry in ClinVar:

ClinVar aggregate classification (germline): Uncertain significance (1 of 4 stars; one submission).

Submission:

Labcorp Genetics (formerly Invitae), Labcorp
Classification: Uncertain significance. Last evaluated: 2022-10-24. Review status: criteria provided, single submitter. Criteria: Invitae Variant Classification Sherloc (09022015). Collection method: clinical testing. Allele origin: germline.
Comment: This variant is not present in population databases (gnomAD no frequency). This sequence change replaces isoleucine, which is neutral and non-polar, with valine, which is neutral and non-polar, at codon 2225 of the ADGRV1 protein (p.Ile2225Val). This variant has not been reported in the literature in individuals affected with ADGRV1-related conditions. In summary, the available evidence is currently insufficient to determine the role of this variant in disease. Therefore, it has been classified as a Variant of Uncertain Significance. Advanced modeling of protein sequence and biophysical properties (such as structural, functional, and spatial information, amino acid conservation, physicochemical variation, residue mobility, and thermodynamic stability) performed at Invitae indicates that this missense variant is not expected to disrupt ADGRV1 protein function. ClinVar contains an entry for this variant (Variation ID: 946827).

NM_032119.4(ADGRV1):c.6673A>G (p.Ile2225Val)

Gene: ADGRV1 (adhesion G protein-coupled receptor V1; plus strand). Cytogenetic location: 5q14.3.
Variant type: single nucleotide variant.
Coding change: c.6673A>G on transcript NM_032119.4 (MANE Select); coding-DNA position 6673, A replaced by G.
Protein change: p.Ile2225Val; replaces isoleucine 2225 with valine.
Molecular consequence: missense variant. On other transcripts: non-coding transcript variant (1).
Genome position (GRCh38, 1-based): chr5:90,690,043, A>G. VCF-style: chr5-90690043-A-G. GRCh37 (hg19) VCF-style: chr5-89985860-A-G.
Other names: short protein forms I2225V.
Identifiers: ClinVar variation 946827 (VCV000946827.9), dbSNP rs1746265202, ClinGen allele CA360366869.